The following is an entry in ClinVar:

ClinVar aggregate classification (germline): Likely benign. Review status: criteria provided, multiple submitters, no conflicts (2 of 4 stars). 3 submissions from 3 submitters: Likely benign (3). Last evaluated 2025-12-29.

Conditions:
Nephronophthisis 15 (NPHP15). Identifiers: Orphanet 3156, MedGen C3541853, MONDO:0013917, OMIM 614845.
CEP164-related disorder. Also called: CEP164-related condition.

Allele frequency attached by ClinVar (database versions not stated): 1000 Genomes Project 30x 0.00062; gnomAD 0.00004; gnomAD exomes 0.00008 and 0.00012; ExAC 0.00018; 1000 Genomes Project 0.00040.
gnomAD v4.1: 128 of 1,610,120 alleles (0.0079%); highest among the groups gnomAD compares: East Asian, 0.031%; no homozygotes.

Submissions (3):

Labcorp Genetics (formerly Invitae), Labcorp
Classification: Likely benign for Nephronophthisis 15. Last evaluated: 2025-12-29. Review status: criteria provided, single submitter. Criteria: Invitae Variant Classification Sherloc (09022015). Collection method: clinical testing. Allele origin: germline.

PreventionGenetics, part of Exact Sciences
Classification: Likely benign for CEP164-related condition. Last evaluated: 2025-03-23. Review status: criteria provided, single submitter. Criteria: ACMG Guidelines, 2015. Collection method: clinical testing. Allele origin: germline.
Comment: This variant is classified as likely benign based on ACMG/AMP sequence variant interpretation guidelines (Richards et al. 2015 PMID: 25741868, with internal and published modifications).

Blueprint Genetics
Classification: Likely benign. Last evaluated: 2024-03-01. Review status: criteria provided, single submitter. Criteria: ACMG Guidelines, 2015. Collection method: clinical testing. Allele origin: germline.

NM_014956.5(CEP164):c.1431C>T (p.His477=)

Gene: CEP164 (centrosomal protein 164; plus strand). Cytogenetic location: 11q23.3.
Variant type: single nucleotide variant.
Coding change: c.1431C>T on transcript NM_014956.5 (MANE Select); coding-DNA position 1431, C replaced by T.
Protein change: p.His477=; no amino-acid change (histidine 477 retained).
Molecular consequence: synonymous variant.
Genome position (GRCh38, 1-based): chr11:117,381,722, C>T. VCF-style: chr11-117381722-C-T. GRCh37 (hg19) VCF-style: chr11-117252438-C-T.
Other names: c.1431C>T (NM_014956.4); c.1440C>T, p.His480= (NM_001271933.2).
Identifiers: ClinVar variation 1102375 (VCV001102375.11), dbSNP rs539441637, ClinGen allele CA6294758.